The following is an entry in ClinVar:

NM_003906.5(MCM3AP):c.377C>T (p.Ala126Val)

Gene: MCM3AP (minichromosome maintenance complex component 3 associated protein; minus strand). Cytogenetic location: 21q22.3.
Variant type: single nucleotide variant.
Coding change: c.377C>T on transcript NM_003906.5 (MANE Select); coding-DNA position 377, C replaced by T.
Protein change: p.Ala126Val; replaces alanine 126 with valine.
Molecular consequence: missense variant.
Genome position (GRCh38, 1-based): chr21:46,284,910, G>A on the plus strand (C>T on the coding strand, the complement: MCM3AP is on the minus strand). VCF-style: chr21-46284910-G-A. GRCh37 (hg19) VCF-style: chr21-47704824-G-A.
Other names: short protein forms A126V.
Identifiers: ClinVar variation 4803456 (VCV004803456.1).

ClinVar aggregate classification (germline): Uncertain significance (1 of 4 stars; one submission).

Submission:

Labcorp Genetics (formerly Invitae), Labcorp
Classification: Uncertain significance. Last evaluated: 2025-04-03. Review status: criteria provided, single submitter. Criteria: Invitae Variant Classification Sherloc (09022015). Collection method: clinical testing. Allele origin: germline.
Comment: This sequence change replaces alanine, which is neutral and non-polar, with valine, which is neutral and non-polar, at codon 126 of the MCM3AP protein (p.Ala126Val). This variant is not present in population databases (gnomAD no frequency). This variant has not been reported in the literature in individuals affected with MCM3AP-related conditions. An algorithm developed to predict the effect of missense changes on protein structure and function (PolyPhen-2) suggests that this variant is likely to be tolerated. In summary, the available evidence is currently insufficient to determine the role of this variant in disease. Therefore, it has been classified as a Variant of Uncertain Significance.